The following is an entry in ClinVar:

NM_000283.4(PDE6B):c.1049A>C (p.Glu350Ala)

Gene: PDE6B (phosphodiesterase 6B; plus strand). Cytogenetic location: 4p16.3.
Variant type: single nucleotide variant.
Coding change: c.1049A>C on transcript NM_000283.4 (MANE Select); coding-DNA position 1049, A replaced by C.
Protein change: p.Glu350Ala; replaces glutamic acid 350 with alanine.
Molecular consequence: missense variant. On other transcripts: intron variant (1).
Genome position (GRCh38, 1-based): chr4:655,996, A>C. VCF-style: chr4-655996-A-C. GRCh37 (hg19) VCF-style: chr4-649785-A-C.
Other names: c.1049A>C, p.Glu350Ala (NM_001145291.2); c.212A>C, p.Glu71Ala (NM_001145292.2, NM_001350154.3, NM_001379246.1 and 1 more transcripts); c.-48-878A>C (NM_001350155.3); short protein forms E71A, E350A.
Identifiers: ClinVar variation 849409 (VCV000849409.13), dbSNP rs201953373, ClinGen allele CA2794296.

ClinVar aggregate classification (germline): Uncertain significance. Review status: criteria provided, multiple submitters, no conflicts (2 of 4 stars). 4 submissions from 4 submitters: Uncertain significance (4). Last evaluated 2026-07-08.

Conditions:
Inborn genetic diseases. Identifiers: MedGen C0950123, MeSH D030342.
PDE6B-related disorder. Also called: PDE6B-related disease; PDE6B-related condition; PDE6B-related disorders.

Allele frequency attached by ClinVar (database versions not stated): gnomAD exomes below 0.00001 and 0.00001; gnomAD 0.00001 and 0.00002; TOPMed 0.00001; ExAC 0.00002; 1000 Genomes Project 30x 0.00016; 1000 Genomes Project 0.00020.
gnomAD v4.1: 25 of 1,605,148 alleles (0.0016%); highest among the groups gnomAD compares: Middle Eastern, 0.033%; no homozygotes.

Submissions (4):

PreventionGenetics, part of Exact Sciences
Classification: Uncertain significance for PDE6B-related condition. Last evaluated: 2026-07-08. Review status: criteria provided, single submitter. Criteria: ACMG Guidelines, 2015. Collection method: clinical testing. Allele origin: germline.
Comment: The PDE6B c.1049A>C variant is predicted to result in the amino acid substitution p.Glu350Ala. To our knowledge, this variant has not been reported in the literature. This variant is reported in 0.0028% of alleles in individuals of Latino descent in gnomAD. At this time, the clinical significance of this variant is uncertain due to the absence of conclusive functional and genetic evidence.

Labcorp Genetics (formerly Invitae), Labcorp
Classification: Uncertain significance. Last evaluated: 2025-12-01. Review status: criteria provided, single submitter. Criteria: Invitae Variant Classification Sherloc (09022015). Collection method: clinical testing. Allele origin: germline.
Comment: This sequence change replaces glutamic acid, which is acidic and polar, with alanine, which is neutral and non-polar, at codon 350 of the PDE6B protein (p.Glu350Ala). This variant is present in population databases (rs201953373, gnomAD 0.004%). This variant has not been reported in the literature in individuals affected with PDE6B-related conditions. ClinVar contains an entry for this variant (Variation ID: 849409). Invitae Evidence Modeling of protein sequence and biophysical properties (such as structural, functional, and spatial information, amino acid conservation, physicochemical variation, residue mobility, and thermodynamic stability) indicates that this missense variant is not expected to disrupt PDE6B protein function with a negative predictive value of 95%. In summary, the available evidence is currently insufficient to determine the role of this variant in disease. Therefore, it has been classified as a Variant of Uncertain Significance.

Blueprint Genetics
Classification: Uncertain significance. Last evaluated: 2024-03-12. Review status: criteria provided, single submitter. Criteria: ACMG Guidelines, 2015. Collection method: clinical testing. Allele origin: germline.

Ambry Genetics
Classification: Uncertain significance for Inborn genetic diseases. Last evaluated: 2021-09-01. Review status: criteria provided, single submitter. Criteria: Ambry Variant Classification Scheme 2023. Collection method: clinical testing. Allele origin: germline.